The following is an entry in ClinVar:

NM_001323289.2(CDKL5):c.2231_2265del (p.Ser744fs)

Gene: CDKL5 (cyclin dependent kinase like 5; plus strand). Cytogenetic location: Xp22.13.
Variant type: Deletion.
Coding change: c.2231_2265del on transcript NM_001323289.2 (MANE Select); coding-DNA positions 2231 to 2265, 35 bases deleted.
Protein change: p.Ser744fs; shifts the reading frame from serine 744.
Molecular consequence: frameshift variant.
Genome position (GRCh38, 1-based): chrX:18,613,230-18,613,264, 35 bases deleted; deleting any 35 consecutive bases within chrX:18,613,226-18,613,264 gives the same sequence; the c. name uses the placement nearest the transcript's 3' end. GRCh37 (hg19): chrX:18,631,350-18,631,384.
Other names: c.2231_2265delGTTCTGGAACCAACCACTCAAAAAGACAACCAGCA (NM_003159.2); c.2231_2265del, p.Ser744fs (NM_001037343.2, NM_003159.3); c.2231_2265del35 (NM_003159.2); short protein forms S744fs.
Identifiers: ClinVar variation 423577 (VCV000423577.2), dbSNP rs1064796503, ClinGen allele CA16621283.

ClinVar aggregate classification (germline): Pathogenic (1 of 4 stars; one submission).

Submission:

GeneDx
Classification: Pathogenic. Last evaluated: 2017-02-10. Review status: criteria provided, single submitter. Criteria: GeneDx Variant Classification (06012015). Collection method: clinical testing. Allele origin: germline. Affected: yes.
Comment: The c.2231_2265del35 pathogenic variant in the CDKL5 gene causes a frameshift starting with codon Serine 744, changes this amino acid to a Isoleucine residue and creates a premature Stop codon at position 8 of the new reading frame, denoted p.S744IfsX8. This pathogenic variant is predicted to cause loss of normal protein function either through protein truncation or nonsense mediated mRNA decay. Furthermore, the c.2231_2265del35 variant is not observed in large population cohorts (Lek et al., 2016; 1000 Genomes Consortium et al., 2015; Exome Variant Server).